The following is an entry in ClinVar:

ClinVar aggregate classification (germline): Uncertain significance (1 of 4 stars; one submission).

Conditions:
Hypophosphatasia. Also called: Phosphoethanol-aminuria. Identifiers: Orphanet 436, MedGen C0020630, MeSH D007014, MONDO:0018570.

Submission:

MVZ Dr. Eberhard & Partner Dortmund
Classification: Uncertain significance for Hypophosphatasia. Last evaluated: 2025-05-21. Review status: criteria provided, single submitter. Criteria: ACMG Guidelines, 2015. Collection method: clinical testing. Allele origin: unknown. Observed: 1 variant allele, 1 heterozygote.
Comment: The variant c.745G>C has not been described in databases and literature and is not found in population databases of different ethnic groups, yet. The amino acid asparagine at position 248 is highly conserved. Computer-based analyses to assess the relevance of an amino acid exchange showed that the change p.Asp248His could influence the function of the protein and be pathogenetically significant. Overall, the available data are not sufficient for a conclusive evaluation with regard to hypophosphatasia, so that we currently regard this change as a variant of unclear pathogenetic relevance.

NM_000478.6(ALPL):c.742G>C (p.Asp248His)

Gene: ALPL (alkaline phosphatase, biomineralization associated; plus strand). Cytogenetic location: 1p36.12.
Variant type: single nucleotide variant.
Coding change: c.742G>C on transcript NM_000478.6 (MANE Select); coding-DNA position 742, G replaced by C.
Protein change: p.Asp248His; replaces aspartic acid 248 with histidine.
Molecular consequence: missense variant.
Genome position (GRCh38, 1-based): chr1:21,568,197, G>C. VCF-style: chr1-21568197-G-C. GRCh37 (hg19) VCF-style: chr1-21894690-G-C.
Other names: c.577G>C, p.Asp193His (NM_001127501.4); c.511G>C, p.Asp171His (NM_001177520.3); c.742G>C, p.Asp248His (NM_001369803.2, NM_001369804.2, NM_001369805.2); short protein forms D171H, D193H, D248H.
Identifiers: ClinVar variation 3906256 (VCV003906256.1).